The following is an entry in ClinVar:

NM_001145809.2(MYH14):c.591-3C>T

Gene: MYH14 (myosin heavy chain 14; plus strand). Cytogenetic location: 19q13.33.
Variant type: single nucleotide variant.
Coding change: c.591-3C>T on transcript NM_001145809.2 (MANE Select); 3 bases into the intron before coding-DNA position 591, C replaced by T.
Molecular consequence: intron variant.
Genome position (GRCh38, 1-based): chr19:50,223,244, C>T. VCF-style: chr19-50223244-C-T. GRCh37 (hg19) VCF-style: chr19-50726501-C-T.
Other names: c.591-3C>T (NM_001077186.2, NM_024729.4).
Identifiers: ClinVar variation 2068366 (VCV002068366.4), dbSNP rs752469700, ClinGen allele CA9592327.

ClinVar aggregate classification (germline): Uncertain significance (1 of 4 stars; one submission).

Allele frequency attached by ClinVar (database versions not stated): TOPMed 0.00001; gnomAD exomes below 0.00001; ExAC 0.00001.
gnomAD v4.1: 2 of 1,613,450 alleles (0.00012%); highest among the groups gnomAD compares: Admixed American, 0.0033%; no homozygotes.

Submission:

Labcorp Genetics (formerly Invitae), Labcorp
Classification: Uncertain significance. Last evaluated: 2022-03-20. Review status: criteria provided, single submitter. Criteria: Invitae Variant Classification Sherloc (09022015). Collection method: clinical testing. Allele origin: germline.
Comment: In summary, the available evidence is currently insufficient to determine the role of this variant in disease. Therefore, it has been classified as a Variant of Uncertain Significance. Variants that disrupt the consensus splice site are a relatively common cause of aberrant splicing (PMID: 17576681, 9536098). Algorithms developed to predict the effect of sequence changes on RNA splicing suggest that this variant is not likely to affect RNA splicing. This variant has not been reported in the literature in individuals affected with MYH14-related conditions. This variant is present in population databases (rs752469700, gnomAD 0.006%). This sequence change falls in intron 4 of the MYH14 gene. It does not directly change the encoded amino acid sequence of the MYH14 protein. It affects a nucleotide within the consensus splice site.

Literature cited by the submitters: PubMed 17576681; PubMed 9536098.